The following is an entry in ClinVar:

NM_000393.5(COL5A2):c.4295A>T (p.Asp1432Val)

Gene: COL5A2 (collagen type V alpha 2 chain; minus strand). Cytogenetic location: 2q32.2.
Variant type: single nucleotide variant.
Coding change: c.4295A>T on transcript NM_000393.5 (MANE Select); coding-DNA position 4295, A replaced by T.
Protein change: p.Asp1432Val; replaces aspartic acid 1432 with valine.
Molecular consequence: missense variant.
Genome position (GRCh38, 1-based): chr2:189,034,974, T>A on the plus strand (A>T on the coding strand, the complement: COL5A2 is on the minus strand). VCF-style: chr2-189034974-T-A. GRCh37 (hg19) VCF-style: chr2-189899700-T-A.
Other names: p.D1432V:GAT>GTT; c.4295A>T (NM_000393.4); short protein forms D1432V.
Identifiers: ClinVar variation 213128 (VCV000213128.49), dbSNP rs141777954, ClinGen allele CA321733.

ClinVar aggregate classification (germline): Benign/Likely benign. Review status: criteria provided, multiple submitters, no conflicts (2 of 4 stars). 10 submissions from 10 submitters: Benign (1); Likely benign (8). 1 of the submissions does not count toward it. Last evaluated 2026-01-28.

Conditions:
Ehlers-Danlos syndrome (EDS). Identifiers: Orphanet 98249, MedGen C0013720, MONDO:0020066.
COL5A2-related disorder. Also called: COL5A2-related condition.
Ehlers-Danlos syndrome, classic type, 1 (EDSCL1). Also called: EHLERS-DANLOS SYNDROME, GRAVIS TYPE; EHLERS-DANLOS SYNDROME, SEVERE CLASSIC TYPE; Ehlers-Danlos syndrome, type 1; Ehlers-Danlos Syndrome, Classic Type, COL5A1-Related; EDS I. Identifiers: MedGen C0268335, MONDO:0019567, OMIM 130000.
Familial thoracic aortic aneurysm and aortic dissection (TAAD). Also called: Thoracic aortic aneurysms and dissections. Identifiers: Orphanet 91387, MedGen C4707243, MONDO:0019625.
Ehlers-Danlos syndrome, classic type, 2 (EDSCL2). Also called: Ehlers-Danlos syndrome type 2 (formerly); Ehlers-Danlos syndrome, type 2; Ehlers-Danlos Syndrome, Classic Type, COL5A2-Related. Identifiers: Orphanet 287, Orphanet 90318, MedGen C0268336, MONDO:0019568, OMIM 130010.
Ehlers-Danlos syndrome, classic type (cEDS). Identifiers: Orphanet 287, MedGen C4225429, MONDO:0007522.

Allele frequency attached by ClinVar (database versions not stated): ESP Exome Variant Server 0.00038; ExAC 0.00049; TOPMed 0.00053; gnomAD exomes 0.00075.
gnomAD v4.1: 1,060 of 1,613,842 alleles (0.066%); highest among the groups gnomAD compares: Admixed American, 0.13%; 4 homozygotes.

Submissions (10):

Labcorp Genetics (formerly Invitae), Labcorp
Classification: Likely benign for Ehlers-Danlos syndrome, classic type, 1. Last evaluated: 2026-01-28. Review status: criteria provided, single submitter. Criteria: Invitae Variant Classification Sherloc (09022015). Collection method: clinical testing. Allele origin: germline.

Blueprint Genetics
Classification: Likely benign. Last evaluated: 2024-10-25. Review status: criteria provided, single submitter. Criteria: ACMG Guidelines, 2015. Collection method: clinical testing. Allele origin: germline.

CeGaT Center for Human Genetics Tuebingen
Classification: Benign. Last evaluated: 2024-09-01. Review status: criteria provided, single submitter. Criteria: CeGaT Center For Human Genetics Tuebingen Variant Classification Criteria Version 2. Collection method: clinical testing. Allele origin: germline. Affected: yes. Observed: 2 variant alleles.
Comment: COL5A2: BP4, BS1, BS2

Women's Health and Genetics/Laboratory Corporation of America, LabCorp
Classification: Likely benign. Last evaluated: 2023-11-13. Review status: criteria provided, single submitter. Criteria: LabCorp Variant Classification Summary - May 2015. Collection method: clinical testing. Allele origin: germline.

Genome Diagnostics Laboratory, The Hospital for Sick Children
Classification: Likely benign for Ehlers-Danlos syndrome. Last evaluated: 2019-12-01. Review status: criteria provided, single submitter. Criteria: ACMG Guidelines, 2015. Collection method: clinical testing. Allele origin: germline.

Mendelics
Classification: Likely benign for Ehlers-Danlos syndrome, classic type, 1. Last evaluated: 2019-05-28. Review status: criteria provided, single submitter. Criteria: Mendelics Assertion Criteria 2017. Collection method: clinical testing. Allele origin: unknown.

Illumina Laboratory Services, Illumina
Classification: Likely benign for Ehlers-Danlos syndrome, classic type, 2. Last evaluated: 2018-03-07. Review status: criteria provided, single submitter. Criteria: ICSL Variant Classification Criteria 13 December 2019. Collection method: clinical testing. Allele origin: germline.
Comment: This variant was observed as part of a predisposition screen in an ostensibly healthy population. A literature search was performed for the gene, cDNA change, and amino acid change (where applicable). No publications were found based on this search. Allele frequency data from public databases allowed determination this variant is unlikely to cause disease. Therefore, this variant is classified as likely benign.

GeneDx
Classification: Likely benign. Last evaluated: 2018-02-02. Review status: criteria provided, single submitter. Criteria: GeneDx Variant Classification (06012015). Collection method: clinical testing. Allele origin: germline. Affected: yes.
Comment: This variant is considered likely benign or benign based on one or more of the following criteria: it is a conservative change, it occurs at a poorly conserved position in the protein, it is predicted to be benign by multiple in silico algorithms, and/or has population frequency not consistent with disease.

Ambry Genetics
Classification: Likely benign for Familial thoracic aortic aneurysm and aortic dissection. Last evaluated: 2017-03-29. Review status: criteria provided, single submitter. Criteria: Ambry Variant Classification Scheme 2023. Collection method: clinical testing. Allele origin: germline.

PreventionGenetics, part of Exact Sciences
Classification: Benign for COL5A2-related condition. Last evaluated: 2020-06-23. Review status: no assertion criteria provided. Collection method: clinical testing. Allele origin: germline. Not counted in ClinVar's aggregate classification.
Comment: This variant is classified as benign based on ACMG/AMP sequence variant interpretation guidelines (Richards et al. 2015 PMID: 25741868, with internal and published modifications).

Literature cited by the submitters: PubMed 11940702 (cited by Ambry Genetics); PubMed 28132693 (cited by Ambry Genetics).